The following is an entry in ClinVar:

ClinVar aggregate classification (germline): Uncertain significance (1 of 4 stars; one submission).

gnomAD v4.1: 1 of 1,611,530 alleles (0.000062%); highest among the groups gnomAD compares: South Asian, 0.0011%; no homozygotes.

Submission:

Labcorp Genetics (formerly Invitae), Labcorp
Classification: Uncertain significance. Last evaluated: 2024-09-29. Review status: criteria provided, single submitter. Criteria: Invitae Variant Classification Sherloc (09022015). Collection method: clinical testing. Allele origin: germline.
Comment: This sequence change replaces aspartic acid, which is acidic and polar, with asparagine, which is neutral and polar, at codon 1525 of the COL11A2 protein (p.Asp1525Asn). This variant is not present in population databases (gnomAD no frequency). This variant has not been reported in the literature in individuals affected with COL11A2-related conditions. Invitae Evidence Modeling of protein sequence and biophysical properties (such as structural, functional, and spatial information, amino acid conservation, physicochemical variation, residue mobility, and thermodynamic stability) indicates that this missense variant is not expected to disrupt COL11A2 protein function with a negative predictive value of 95%. In summary, the available evidence is currently insufficient to determine the role of this variant in disease. Therefore, it has been classified as a Variant of Uncertain Significance.

NM_080680.3(COL11A2):c.4573G>A (p.Asp1525Asn)

Gene: COL11A2 (collagen type XI alpha 2 chain; minus strand). Cytogenetic location: 6p21.32.
Variant type: single nucleotide variant.
Coding change: c.4573G>A on transcript NM_080680.3 (MANE Select); coding-DNA position 4573, G replaced by A.
Protein change: p.Asp1525Asn; replaces aspartic acid 1525 with asparagine.
Molecular consequence: missense variant.
Genome position (GRCh38, 1-based): chr6:33,165,726, C>T on the plus strand (G>A on the coding strand, the complement: COL11A2 is on the minus strand). VCF-style: chr6-33165726-C-T. GRCh37 (hg19) VCF-style: chr6-33133503-C-T.
Other names: c.3547G>A, p.Asp1183Asn (NM_001424111.1, NM_001424110.1); c.2527G>A, p.Asp843Asn (NM_001424112.1); c.4252G>A, p.Asp1418Asn (NM_080679.3); c.4315G>A, p.Asp1439Asn (NM_080681.3); c.4393G>A, p.Asp1465Asn (NM_001424108.1); c.3727G>A, p.Asp1243Asn (NM_001424109.1); short protein forms D1183N, D1243N, D1465N, D1525N, D843N, D1418N, D1439N.
Identifiers: ClinVar variation 3635241 (VCV003635241.2).